The following is an entry in ClinVar:

ClinVar aggregate classification (germline): Uncertain significance (1 of 4 stars; one submission).

Conditions:
Inborn genetic diseases. Identifiers: MedGen C0950123, MeSH D030342.

Allele frequency attached by ClinVar (database versions not stated): gnomAD 0.00001; TOPMed 0.00001; gnomAD exomes 0.00003.
gnomAD v4.1: 44 of 1,613,870 alleles (0.0027%); highest among the groups gnomAD compares: Non-Finnish European, 0.0037%; no homozygotes.

Submission:

Ambry Genetics
Classification: Uncertain significance for Inborn genetic diseases. Last evaluated: 2016-08-12. Review status: criteria provided, single submitter. Criteria: Ambry Variant Classification Scheme 2023. Collection method: clinical testing. Allele origin: germline.
Comment: The p.T646S variant (also known as c.1936A>T), located in coding exon 8 of the HCN1 gene, results from an A to T substitution at nucleotide position 1936. The threonine at codon 646 is replaced by serine, an amino acid with similar properties. This variant was not reported in population based cohorts in the following databases: Database of Single Nucleotide Polymorphisms (dbSNP), NHLBI Exome Sequencing Project (ESP), and 1000 Genomes Project. In the ESP, this variant was not observed in 6503 samples (13006 alleles) with coverage at this position. This amino acid position is poorly conserved in available vertebrate species. In addition, this alteration is predicted to be tolerated by in silico analysis. Since supporting evidence is limited at this time, the clinical significance of this alteration remains unclear.

NM_021072.4(HCN1):c.1936A>T (p.Thr646Ser)

Gene: HCN1 (hyperpolarization activated cyclic nucleotide gated potassium channel 1; minus strand). Cytogenetic location: 5p12.
Variant type: single nucleotide variant.
Coding change: c.1936A>T on transcript NM_021072.4 (MANE Select); coding-DNA position 1936, A replaced by T.
Protein change: p.Thr646Ser; replaces threonine 646 with serine.
Molecular consequence: missense variant.
Genome position (GRCh38, 1-based): chr5:45,262,658, T>A on the plus strand (A>T on the coding strand, the complement: HCN1 is on the minus strand). VCF-style: chr5-45262658-T-A. GRCh37 (hg19) VCF-style: chr5-45262760-T-A.
Other names: short protein forms T646S.
Identifiers: ClinVar variation 588153 (VCV000588153.5), dbSNP rs1175835174, ClinGen allele CA359704380.